The following is an entry in ClinVar:

ClinVar aggregate classification (germline): Uncertain significance. Review status: criteria provided, multiple submitters, no conflicts (2 of 4 stars). 6 submissions from 6 submitters: Uncertain significance (6). Last evaluated 2025-06-18.

Conditions:
Cardiovascular phenotype. Identifiers: MedGen CN230736.
Hypertrophic cardiomyopathy 4. Also called: Familial hypertrophic cardiomyopathy 4. Identifiers: MedGen C1861862, MONDO:0007268, OMIM 115197.
Left ventricular noncompaction 10 (LVNC10). Identifiers: Orphanet 154, Orphanet 54260, MedGen C3715165, MONDO:0014163, OMIM 615396.
Cardiomyopathy (CMYO). Also called: Cardiomyopathies. Identifiers: Orphanet 167848, MedGen C0878544, MONDO:0004994, HP:0001638. Inheritance: Various modes of inheritance.
Hypertrophic cardiomyopathy. Also called: HYPERTROPHIC MYOCARDIOPATHY. Identifiers: Orphanet 217569, MedGen C0007194, MeSH D002312, MONDO:0005045, HP:0001639.

Allele frequency attached by ClinVar (database versions not stated): TOPMed 0.00001; ExAC 0.00002; gnomAD 0.00003; 1000 Genomes Project 0.00020; 1000 Genomes Project 30x 0.00031.
gnomAD v4.1: 33 of 1,596,766 alleles (0.0021%); highest among the groups gnomAD compares: Non-Finnish European, 0.0028%; no homozygotes.

Submissions (6):

Color Diagnostics, LLC DBA Color Health
Classification: Uncertain significance for Cardiomyopathy. Last evaluated: 2025-06-18. Review status: criteria provided, single submitter. Criteria: ACMG Guidelines, 2015. Collection method: clinical testing. Allele origin: germline.
Comment: This missense variant replaces threonine with lysine at codon 688 of the MYBPC3 protein. Computational prediction suggests that this variant may not impact protein structure and function. To our knowledge, functional studies have not been reported for this variant. This variant has been reported in an individual affected with an unspecified cardiomyopathy (PMID: 30847666) and in an individual affected with cardiomyopathy or arrhythmia (PMID: 33954932). This variant has been identified in 2/258004 chromosomes in the general population by the Genome Aggregation Database (gnomAD). The available evidence is insufficient to determine the role of this variant in disease conclusively. Therefore, this variant is classified as a Variant of Uncertain Significance.

Labcorp Genetics (formerly Invitae), Labcorp
Classification: Uncertain significance for Hypertrophic cardiomyopathy. Last evaluated: 2025-02-27. Review status: criteria provided, single submitter. Criteria: Invitae Variant Classification Sherloc (09022015). Collection method: clinical testing. Allele origin: germline.
Comment: This sequence change replaces threonine, which is neutral and polar, with lysine, which is basic and polar, at codon 688 of the MYBPC3 protein (p.Thr688Lys). This variant is present in population databases (rs3729946, gnomAD 0.002%). This missense change has been observed in individual(s) with clinical features of MYBPC3-related conditions (PMID: 30847666). ClinVar contains an entry for this variant (Variation ID: 180962). An algorithm developed to predict the effect of missense changes on protein structure and function (PolyPhen-2) suggests that this variant is likely to be tolerated. In summary, the available evidence is currently insufficient to determine the role of this variant in disease. Therefore, it has been classified as a Variant of Uncertain Significance.

All of Us Research Program, National Institutes of Health
Classification: Uncertain significance for Hypertrophic cardiomyopathy. Last evaluated: 2023-12-18. Review status: criteria provided, single submitter. Criteria: ACMG Guidelines, 2015. Collection method: clinical testing. Allele origin: germline. Inheritance: Autosomal dominant inheritance. Observed: 6 variant alleles, 6 heterozygotes.
Comment: This missense variant replaces threonine with lysine at codon 688 of the MYBPC3 protein. Computational prediction suggests that this variant may not impact protein structure and function (internally defined REVEL score threshold <= 0.5, PMID: 27666373). To our knowledge, functional studies have not been reported for this variant. This variant has been reported in an individual affected with an unspecified cardiomyopathy (PMID: 30847666). This variant has been identified in 2/258004 chromosomes in the general population by the Genome Aggregation Database (gnomAD). The available evidence is insufficient to determine the role of this variant in disease conclusively. Therefore, this variant is classified as a Variant of Uncertain Significance.

This study involves interpretation of variants in research participants for the purpose of population health screening. Participant phenotype was not available at the time of variant classification. Additional details can be found in publication PMID: 35346344, PMCID: PMC8962531

Ambry Genetics
Classification: Uncertain significance for Cardiovascular phenotype. Last evaluated: 2023-05-17. Review status: criteria provided, single submitter. Criteria: Ambry Variant Classification Scheme 2023. Collection method: clinical testing. Allele origin: germline.
Comment: The p.T688K variant (also known as c.2063C>A), located in coding exon 21 of the MYBPC3 gene, results from a C to A substitution at nucleotide position 2063. The threonine at codon 688 is replaced by lysine, an amino acid with similar properties. This variant was detected in a cardiomyopathy genetic testing cohort; however, clinical details were limited (van Lint FHM et al. Neth Heart J, 2019 Jun;27:304-309). This amino acid position is not well conserved in available vertebrate species. In addition, this alteration is predicted to be tolerated by in silico analysis. Since supporting evidence is limited at this time, the clinical significance of this alteration remains unclear.

Fulgent Genetics
Classification: Uncertain significance for Hypertrophic cardiomyopathy 4; Left ventricular noncompaction 10. Last evaluated: 2021-09-10. Review status: criteria provided, single submitter. Criteria: ACMG Guidelines, 2015. Collection method: clinical testing. Allele origin: unknown.

GeneDx
Classification: Uncertain significance. Last evaluated: 2019-12-17. Review status: criteria provided, single submitter. Criteria: GeneDx Variant Classification Process June 2021. Collection method: clinical testing. Allele origin: germline. Affected: yes.
Comment: Not observed at a significant frequency in large population cohorts (Lek et al., 2016); In silico analysis, which includes protein predictors and evolutionary conservation, supports that this variant does not alter protein structure/function; Reported as likely benign in a study of the pathogenic burden in ExAC (Kobayashi et al., 2017); This variant is associated with the following publications: (PMID: 28166811, 30847666)

Literature cited by the submitters: PubMed 30847666 (cited by 4 submitters); PubMed 33954932 (cited by Color Diagnostics, LLC DBA Color Health); PubMed 21310275 (cited by Ambry Genetics).

NM_000256.3(MYBPC3):c.2063C>A (p.Thr688Lys)

Gene: MYBPC3 (myosin binding protein C3; minus strand). Cytogenetic location: 11p11.2.
Variant type: single nucleotide variant.
Coding change: c.2063C>A on transcript NM_000256.3 (MANE Select); coding-DNA position 2063, C replaced by A.
Protein change: p.Thr688Lys; replaces threonine 688 with lysine.
Molecular consequence: missense variant.
Genome position (GRCh38, 1-based): chr11:47,339,655, G>T on the plus strand (C>A on the coding strand, the complement: MYBPC3 is on the minus strand). VCF-style: chr11-47339655-G-T. GRCh37 (hg19) VCF-style: chr11-47361206-G-T.
Other names: p.T688K:ACG>AAG; c.2063C>A, p.Thr688Lys (LRG_386t1); short protein forms T688K.
Identifiers: ClinVar variation 180962 (VCV000180962.16), dbSNP rs3729946, ClinGen allele CA011701.